The following is an entry in ClinVar:

ClinVar aggregate classification (germline): Likely benign (1 of 4 stars; one submission).

Allele frequency attached by ClinVar (database versions not stated): gnomAD exomes below 0.00001 and 0.00002; TOPMed below 0.00001.

Submission:

GeneDx
Classification: Likely benign. Last evaluated: 2013-11-20. Review status: criteria provided, single submitter. Criteria: GeneDx Variant Classification (06012015). Collection method: clinical testing. Allele origin: germline. Affected: yes.
Comment: This variant is considered likely benign or benign based on one or more of the following criteria: it is a conservative change, it occurs at a poorly conserved position in the protein, it is predicted to be benign by multiple in silico algorithms, and/or has population frequency not consistent with disease.

NM_001931.5(DLAT):c.359A>G (p.Asn120Ser)

Gene: DLAT (dihydrolipoamide S-acetyltransferase; plus strand). Cytogenetic location: 11q23.1.
Variant type: single nucleotide variant.
Coding change: c.359A>G on transcript NM_001931.5 (MANE Select); coding-DNA position 359, A replaced by G.
Protein change: p.Asn120Ser; replaces asparagine 120 with serine.
Molecular consequence: missense variant. On other transcripts: 5 prime UTR variant (1), non-coding transcript variant (1), intron variant (1).
Genome position (GRCh38, 1-based): chr11:112,026,277, A>G. VCF-style: chr11-112026277-A-G. GRCh37 (hg19) VCF-style: chr11-111897001-A-G.
Other names: p.N120S:AAT>AGT; c.359A>G, p.Asn120Ser (NM_001372031.1, NM_001372032.1, NM_001372033.1 and 5 more transcripts); c.326A>G, p.Asn109Ser (NM_001372034.1); c.191A>G, p.Asn64Ser (NM_001372037.1); c.-108A>G (NM_001372042.1); c.239-6A>G (NM_001372036.1); short protein forms N120S, N109S, N64S.
Identifiers: ClinVar variation 214290 (VCV000214290.1), dbSNP rs863223950, ClinGen allele CA324201.
Genomic context (GRCh38, chr11:112,026,277, plus strand): 5'-CCCCCACAATGCAGGCAGGCACCATAGCCCGTTGGGAAAAAAAAGAGGGGGACAAAATCA[A>G]TGAAGGTGACCTAATTGCAGAGGTAAGTTTTTTTTTTTTTTTTTAATTAATTTATTTATT-3'
Protein context (NP_001922.2, residues 110-130): RWEKKEGDKI[Asn120Ser]EGDLIAEVET